The following is an entry in ClinVar:

NM_000137.4(FAH):c.553+1G>A

Gene: FAH (fumarylacetoacetate hydrolase; plus strand). Cytogenetic location: 15q25.1.
Variant type: single nucleotide variant.
Coding change: c.553+1G>A on transcript NM_000137.4 (MANE Select); the canonical splice donor site of the intron after coding-DNA position 553, G replaced by A.
Molecular consequence: splice donor variant.
Genome position (GRCh38, 1-based): chr15:80,168,150, G>A. VCF-style: chr15-80168150-G-A. GRCh37 (hg19) VCF-style: chr15-80460492-G-A.
Other names: c.553+1G>A (NM_001374377.1, NM_001374380.1).
Identifiers: ClinVar variation 2910382 (VCV002910382.3), dbSNP rs2505850314, ClinGen allele CA393619965.

ClinVar aggregate classification (germline): Likely pathogenic (1 of 4 stars; one submission).

Conditions:
Tyrosinemia type I (TYRSN1). Also called: Tyrosinemia type 1; Fumarylacetoacetase deficiency; Deficiency of fumarylacetoacetase; HEPATORENAL TYROSINEMIA; FAH DEFICIENCY. Identifiers: Orphanet 882, MedGen C0268490, MONDO:0010161, OMIM 276700. Disease mechanism: loss of function.

Submission:

Labcorp Genetics (formerly Invitae), Labcorp
Classification: Likely pathogenic for Tyrosinemia type I. Last evaluated: 2023-03-01. Review status: criteria provided, single submitter. Criteria: Invitae Variant Classification Sherloc (09022015). Collection method: clinical testing. Allele origin: germline.
Comment: This variant is not present in population databases (gnomAD no frequency). This sequence change affects a donor splice site in intron 6 of the FAH gene. It is expected to disrupt RNA splicing. Variants that disrupt the donor or acceptor splice site typically lead to a loss of protein function (PMID: 16199547), and loss-of-function variants in FAH are known to be pathogenic (PMID: 9101289, 9633815). Disruption of this splice site has been observed in individual(s) with clinical features of FAH-related conditions (PMID: 29326876). In summary, the currently available evidence indicates that the variant is pathogenic, but additional data are needed to prove that conclusively. Therefore, this variant has been classified as Likely Pathogenic. Algorithms developed to predict the effect of sequence changes on RNA splicing suggest that this variant may disrupt the consensus splice site.

Literature cited by the submitters: PubMed 16199547; PubMed 9101289; PubMed 9633815; PubMed 29326876.